The following is an entry in ClinVar:

NM_152564.5(VPS13B):c.292-1G>A

Gene: VPS13B (vacuolar protein sorting 13 homolog B; plus strand). Cytogenetic location: 8q22.2.
Variant type: single nucleotide variant.
Coding change: c.292-1G>A on transcript NM_152564.5 (MANE Select); the canonical splice acceptor site of the intron before coding-DNA position 292, G replaced by A.
Molecular consequence: splice acceptor variant.
Genome position (GRCh38, 1-based): chr8:99,096,311, G>A. VCF-style: chr8-99096311-G-A. GRCh37 (hg19) VCF-style: chr8-100108539-G-A.
Other names: c.292-1G>A (NM_017890.5, NM_015243.3, NM_181661.3).
Identifiers: ClinVar variation 379880 (VCV000379880.4), dbSNP rs1057520768, ClinGen allele CA16606186.

ClinVar aggregate classification (germline): Pathogenic. Review status: criteria provided, multiple submitters, no conflicts (2 of 4 stars). 2 submissions from 2 submitters: Pathogenic (2). Last evaluated 2024-03-14.

Conditions:
Cohen syndrome (COH1). Also called: PEPPER SYNDROME; Cutis verticis gyrata, retinitis pigmentosa, and sensorineural deafness. Identifiers: Orphanet 193, MedGen C0265223, MONDO:0008999, OMIM 216550.

Allele frequency attached by ClinVar (database versions not stated): gnomAD exomes below 0.00001.

Submissions (2):

Genomic Medicine Center of Excellence, King Faisal Specialist Hospital and Research Centre
Classification: Pathogenic for Cohen syndrome. Last evaluated: 2024-03-14. Review status: criteria provided, single submitter. Criteria: ACMG Guidelines, 2015. Collection method: research. Allele origin: germline.

GeneDx
Classification: Pathogenic. Last evaluated: 2015-06-04. Review status: criteria provided, single submitter. Criteria: GeneDx Variant Classification (06012015). Collection method: clinical testing. Allele origin: germline. Affected: yes.
Comment: The c.292-1 G>A splice site variant in the VPS13B gene destroys the canonical splice acceptor site inintron 3. It is predicted to cause abnormal gene splicing, either leading to an abnormal message that issubject to nonsense-mediated mRNA decay, or to an abnormal protein product if the message is used for protein translation. The c.292-1 G>A variant was not observed in approximately 6,500 individuals ofEuropean and African American ancestry in the NHLBI Exome Sequencing Project, indicating it is not acommon benign variant in these populations. Therefore, we interpret c.292-1 G>A as a pathogenic variant.